The following is an entry in ClinVar:

NM_001282531.3(ADNP):c.1677C>T (p.His559=)

Gene: ADNP (activity dependent neuroprotector homeobox; minus strand). Cytogenetic location: 20q13.13.
Variant type: single nucleotide variant.
Coding change: c.1677C>T on transcript NM_001282531.3 (MANE Select); coding-DNA position 1677, C replaced by T.
Protein change: p.His559=; no amino-acid change (histidine 559 retained).
Molecular consequence: synonymous variant.
Genome position (GRCh38, 1-based): chr20:50,893,037, G>A on the plus strand (C>T on the coding strand, the complement: ADNP is on the minus strand). VCF-style: chr20-50893037-G-A. GRCh37 (hg19) VCF-style: chr20-49509574-G-A.
Other names: c.1677C>T, p.His559= (NM_001282532.2, NM_001347511.2, NM_015339.5 and 1 more transcripts).
Identifiers: ClinVar variation 2834568 (VCV002834568.3), dbSNP rs1057522714, ClinGen allele CA511021644.

ClinVar aggregate classification (germline): Uncertain significance (1 of 4 stars; one submission).

Allele frequency attached by ClinVar (database versions not stated): gnomAD exomes below 0.00001.
gnomAD v4.1: 2 of 1,614,218 alleles (0.00012%); highest among the groups gnomAD compares: Middle Eastern, 0.016%; no homozygotes.

Submission:

Labcorp Genetics (formerly Invitae), Labcorp
Classification: Uncertain significance. Last evaluated: 2023-02-04. Review status: criteria provided, single submitter. Criteria: Invitae Variant Classification Sherloc (09022015). Collection method: clinical testing. Allele origin: germline.
Comment: In summary, the available evidence is currently insufficient to determine the role of this variant in disease. Therefore, it has been classified as a Variant of Uncertain Significance. This variant has not been reported in the literature in individuals affected with ADNP-related conditions. This variant is not present in population databases (gnomAD no frequency). This sequence change affects codon 559 of the ADNP mRNA. It is a 'silent' change, meaning that it does not change the encoded amino acid sequence of the ADNP protein.